The following is an entry in ClinVar:

NM_183075.3(CYP2U1):c.64C>T (p.Arg22Cys)

Genes: CYP2U1 (cytochrome P450 family 2 subfamily U member 1; plus strand), CYP2U1-AS1 (CYP2U1 and SGMS2 antisense RNA 1; minus strand). Cytogenetic location: 4q25.
Variant type: single nucleotide variant.
Coding change: c.64C>T on transcript NM_183075.3 (MANE Select); coding-DNA position 64, C replaced by T.
Protein change: p.Arg22Cys; replaces arginine 22 with cysteine.
Molecular consequence: missense variant.
Genome position (GRCh38, 1-based): chr4:107,931,707, C>T. VCF-style: chr4-107931707-C-T. GRCh37 (hg19) VCF-style: chr4-108852863-C-T.
Other names: short protein forms R22C.
Identifiers: ClinVar variation 2110467 (VCV002110467.4), dbSNP rs2476953053, ClinGen allele CA357831605.

ClinVar aggregate classification (germline): Uncertain significance (1 of 4 stars; one submission).

Conditions:
Spastic paraplegia. Identifiers: MedGen C0037772, HP:0001258.

Allele frequency attached by ClinVar (database versions not stated): gnomAD exomes below 0.00001.

Submission:

Labcorp Genetics (formerly Invitae), Labcorp
Classification: Uncertain significance for Spastic paraplegia. Last evaluated: 2022-03-12. Review status: criteria provided, single submitter. Criteria: Invitae Variant Classification Sherloc (09022015). Collection method: clinical testing. Allele origin: germline.
Comment: In summary, the available evidence is currently insufficient to determine the role of this variant in disease. Therefore, it has been classified as a Variant of Uncertain Significance. Advanced modeling of protein sequence and biophysical properties (such as structural, functional, and spatial information, amino acid conservation, physicochemical variation, residue mobility, and thermodynamic stability) performed at Invitae indicates that this missense variant is not expected to disrupt CYP2U1 protein function. This variant has not been reported in the literature in individuals affected with CYP2U1-related conditions. This variant is not present in population databases (gnomAD no frequency). This sequence change replaces arginine, which is basic and polar, with cysteine, which is neutral and slightly polar, at codon 22 of the CYP2U1 protein (p.Arg22Cys).